The following is an entry in ClinVar:

NM_022893.4(BCL11A):c.791C>G (p.Pro264Arg)

Gene: BCL11A (BCL11 transcription factor A; minus strand). Cytogenetic location: 2p16.1.
Variant type: single nucleotide variant.
Coding change: c.791C>G on transcript NM_022893.4 (MANE Select); coding-DNA position 791, C replaced by G.
Protein change: p.Pro264Arg; replaces proline 264 with arginine.
Molecular consequence: missense variant. On other transcripts: intron variant (9).
Genome position (GRCh38, 1-based): chr2:60,462,121, G>C on the plus strand (C>G on the coding strand, the complement: BCL11A is on the minus strand). VCF-style: chr2-60462121-G-C. GRCh37 (hg19) VCF-style: chr2-60689256-G-C.
Other names: c.635C>G, p.Pro212Arg (NM_001405722.1, NM_001405723.1, NM_001405713.1 and 3 more transcripts); c.533C>G, p.Pro178Arg (NM_001405724.1, NM_001405717.1, NM_001405718.1); c.335C>G, p.Pro112Arg (NM_001405725.1, NM_001405726.1, NM_001405727.1 and 1 more transcripts); c.791C>G, p.Pro264Arg (NM_018014.4, NM_001405708.1, NM_001405709.1 and 1 more transcripts); c.630+161C>G (NM_138559.2, NM_001405732.1, NM_001405730.1); c.528+161C>G (NM_001405733.1); c.174+161C>G (NM_001405731.1); c.474+161C>G (NM_001405735.1, NM_001405734.1, NM_001405729.1); and 3 more; short protein forms P112R, P153R, P178R, P212R, P230R, P264R.
Identifiers: ClinVar variation 2672192 (VCV002672192.1), dbSNP rs1269007948, ClinGen allele CA347039431.

ClinVar aggregate classification (germline): Uncertain significance (1 of 4 stars; one submission).

Conditions:
Dias-Logan syndrome. Also called: INTELLECTUAL DEVELOPMENTAL DISORDER WITH HEREDITARY PERSISTENCE OF FETAL HEMOGLOBIN; Intellectual developmental disorder with persistence of fetal hemoglobin. Identifiers: Orphanet 619233, MedGen C4310833, MONDO:0014914, OMIM 617101.

gnomAD v4.1: 5 of 1,554,170 alleles (0.00032%); highest among the groups gnomAD compares: South Asian, 0.0025%; no homozygotes.

Submission:

Clinical Genomics Laboratory, Washington University in St. Louis
Classification: Uncertain significance for Dias-Logan syndrome. Last evaluated: 2023-08-02. Review status: criteria provided, single submitter. Criteria: ACMG Guidelines, 2015. Collection method: clinical testing. Allele origin: germline.
Comment: The BCL11A c.791C>G (p.Pro264Arg) variant, to our knowledge, has not been reported in the medical literature. This variant is absent from the general population (gnomAD v.2.1.1), indicating it is not a common variant. Computational predictors are uncertain as to the impact of this variant on BCL11A function. Due to limited information, and based on ACMG/AMP guidelines for variant interpretation (Richards S et al., PMID: 25741868), the clinical significance of this variant is uncertain at this time.